The following is an entry in ClinVar:

NM_001254.4(CDC6):c.650A>C (p.Gln217Pro)

Gene: CDC6 (cell division cycle 6; plus strand). Cytogenetic location: 17q21.2.
Variant type: single nucleotide variant.
Coding change: c.650A>C on transcript NM_001254.4 (MANE Select); coding-DNA position 650, A replaced by C.
Protein change: p.Gln217Pro; replaces glutamine 217 with proline.
Molecular consequence: missense variant.
Genome position (GRCh38, 1-based): chr17:40,291,658, A>C. VCF-style: chr17-40291658-A-C. GRCh37 (hg19) VCF-style: chr17-38447910-A-C.
Other names: short protein forms Q217P.
Identifiers: ClinVar variation 3701778 (VCV003701778.2).

ClinVar aggregate classification (germline): Uncertain significance (1 of 4 stars; one submission).

Submission:

Labcorp Genetics (formerly Invitae), Labcorp
Classification: Uncertain significance. Last evaluated: 2024-10-10. Review status: criteria provided, single submitter. Criteria: Invitae Variant Classification Sherloc (09022015). Collection method: clinical testing. Allele origin: germline.
Comment: This sequence change replaces glutamine, which is neutral and polar, with proline, which is neutral and non-polar, at codon 217 of the CDC6 protein (p.Gln217Pro). This variant is not present in population databases (gnomAD no frequency). This variant has not been reported in the literature in individuals affected with CDC6-related conditions. An algorithm developed to predict the effect of missense changes on protein structure and function (PolyPhen-2) suggests that this variant is likely to be disruptive. In summary, the available evidence is currently insufficient to determine the role of this variant in disease. Therefore, it has been classified as a Variant of Uncertain Significance.